The following is an entry in ClinVar:

ClinVar aggregate classification (germline): Conflicting classifications of pathogenicity. Review status: criteria provided, conflicting classifications (1 of 4 stars). 2 submissions from 2 submitters: Uncertain significance (1); Likely benign (1). Last evaluated 2024-10-24.

Conditions:
MACF1-related disorder. Also called: MACF1-related condition.

Allele frequency attached by ClinVar (database versions not stated): gnomAD exomes 0.00001.
gnomAD v4.1: 16 of 1,605,598 alleles (0.001%); highest among the groups gnomAD compares: Admixed American, 0.0034%; no homozygotes.

Submissions (2):

Labcorp Genetics (formerly Invitae), Labcorp
Classification: Likely benign. Last evaluated: 2024-10-24. Review status: criteria provided, single submitter. Criteria: Invitae Variant Classification Sherloc (09022015). Collection method: clinical testing. Allele origin: germline.

PreventionGenetics, part of Exact Sciences
Classification: Uncertain significance for MACF1-related condition. Last evaluated: 2022-12-07. Review status: criteria provided, single submitter. Criteria: ACMG Guidelines, 2015. Collection method: clinical testing. Allele origin: germline.
Comment: The MACF1 c.3960+5G>C variant is predicted to interfere with splicing. To our knowledge, this variant has not been reported in the literature. This variant is reported in 0.0061% of alleles in individuals of Latino descent in gnomAD. At this time, the clinical significance of this variant is uncertain due to the absence of conclusive functional and genetic evidence.

NM_001394062.1(MACF1):c.3945+5G>C

Gene: MACF1 (microtubule actin crosslinking factor 1; plus strand). Cytogenetic location: 1p34.3.
Variant type: single nucleotide variant.
Coding change: c.3945+5G>C on transcript NM_001394062.1 (MANE Select); 5 bases into the intron after coding-DNA position 3945, G replaced by C.
Molecular consequence: intron variant.
Genome position (GRCh38, 1-based): chr1:39,318,620, G>C. VCF-style: chr1-39318620-G-C. GRCh37 (hg19) VCF-style: chr1-39784292-G-C.
Other names: c.3960+5G>C (NM_012090.5).
Identifiers: ClinVar variation 2635074 (VCV002635074.3), dbSNP rs1489002936, ClinGen allele CA522378121.